The following is an entry in ClinVar:

ClinVar aggregate classification (germline): Uncertain significance (1 of 4 stars; one submission).

Allele frequency attached by ClinVar (database versions not stated): gnomAD exomes below 0.00001.
gnomAD v4.1: 1 of 1,552,608 alleles (0.000064%); highest among the groups gnomAD compares: Non-Finnish European, 0.000087%; no homozygotes.

Submission:

Ambry Genetics
Classification: Uncertain significance. Last evaluated: 2024-03-09. Review status: criteria provided, single submitter. Criteria: Ambry Variant Classification Scheme 2023. Collection method: clinical testing. Allele origin: germline.
Comment: The p.D1983E variant (also known as c.5949C>A), located in coding exon 44 of the PRKDC gene, results from a C to A substitution at nucleotide position 5949. The aspartic acid at codon 1983 is replaced by glutamic acid, an amino acid with highly similar properties. This amino acid position is conserved. In addition, this alteration is predicted to be tolerated by in silico analysis. Based on the available evidence, the clinical significance of this alteration remains unclear.

NM_006904.7(PRKDC):c.5949C>A (p.Asp1983Glu)

Gene: PRKDC (protein kinase, DNA-activated, catalytic subunit; minus strand). Cytogenetic location: 8q11.21.
Variant type: single nucleotide variant.
Coding change: c.5949C>A on transcript NM_006904.7 (MANE Select); coding-DNA position 5949, C replaced by A.
Protein change: p.Asp1983Glu; replaces aspartic acid 1983 with glutamic acid.
Molecular consequence: missense variant.
Genome position (GRCh38, 1-based): chr8:47,862,098, G>T on the plus strand (C>A on the coding strand, the complement: PRKDC is on the minus strand). VCF-style: chr8-47862098-G-T. GRCh37 (hg19) VCF-style: chr8-48774659-G-T.
Other names: c.5949C>A, p.Asp1983Glu (NM_001081640.2); short protein forms D1983E.
Identifiers: ClinVar variation 3225879 (VCV003225879.1), dbSNP rs2551870590, ClinGen allele CA371161951.
Genomic context (GRCh38, chr8:47,862,098, plus strand): 5'-TTTAACATTGAAAATTTCACTCACCTCAACTTCTACAGGAAAATTATAGCGGCGCTTCAG[G>T]TCGATCAGATTTTCAAAAATAAGCAAGTTCTGTGAATACAAAGAATCATATAAAAATAGC-3'
Protein context (NP_008835.5, residues 1973-1993): KNLLIFENLI[Asp1983Glu]LKRRYNFPVE